The following is an entry in ClinVar:

ClinVar aggregate classification (germline): Uncertain significance. Review status: criteria provided, multiple submitters, no conflicts (2 of 4 stars). 5 submissions from 5 submitters: Uncertain significance (4). 1 of the submissions does not count toward it. Last evaluated 2026-08-06.

Conditions:
Mucolipidosis type II. Also called: Mucolipidosis 2; ML 2; Inclusion cell disease; Leroy Disease; N-acetylglucosamine 1phosphotransferase deficiency; ML disorder type 2. Identifiers: Orphanet 576, MedGen C2673377, MONDO:0009650, OMIM 252500.
Pseudo-Hurler polydystrophy. Also called: Mucolipidosis III Alpha/Beta; MUCOLIPIDOSIS IIIA; ML III; ML III ALPHA/BETA; Type III Mucolipidosis; ML IIIA. Identifiers: Orphanet 423461, Orphanet 577, MedGen C0033788, MONDO:0018931, OMIM 252600.
Inborn genetic diseases. Identifiers: MedGen C0950123, MeSH D030342.

Allele frequency attached by ClinVar (database versions not stated): TOPMed 0.00006; gnomAD 0.00007 and 0.00008; gnomAD exomes 0.00007 and 0.00010; ESP Exome Variant Server 0.00008; ExAC 0.00013.

Submissions (5):

OLLIN Analises Genomicas, OLLIN
Classification: Uncertain significance for Mucolipidosis type II. Last evaluated: 2026-08-06. Review status: criteria provided, single submitter. Criteria: ACMG Guidelines 2015 PMID 25741868. Collection method: clinical testing. Allele origin: germline. Inheritance: Autosomal recessive inheritance.
Comment: This missense variant, located in exon 13 (of 21), has been reported in ClinVar (accession VCV000965325.7) and in gnomAD with an allele frequency of 0.0066%. However, to our knowledge, it has not been reported in the scientific literature. In silico analysis is inconclusive regarding the impact of this variant. According to the currently available evidence, this variant has been classified as uncertain significance (PM2_P).

Labcorp Genetics (formerly Invitae), Labcorp
Classification: Uncertain significance for Pseudo-Hurler polydystrophy; Mucolipidosis type II. Last evaluated: 2024-10-07. Review status: criteria provided, single submitter. Criteria: Invitae Variant Classification Sherloc (09022015). Collection method: clinical testing. Allele origin: germline.
Comment: This sequence change replaces serine, which is neutral and polar, with glycine, which is neutral and non-polar, at codon 654 of the GNPTAB protein (p.Ser654Gly). This variant is present in population databases (rs151209875, gnomAD 0.02%). This variant has not been reported in the literature in individuals affected with GNPTAB-related conditions. ClinVar contains an entry for this variant (Variation ID: 965325). Invitae Evidence Modeling of protein sequence and biophysical properties (such as structural, functional, and spatial information, amino acid conservation, physicochemical variation, residue mobility, and thermodynamic stability) indicates that this missense variant is not expected to disrupt GNPTAB protein function with a negative predictive value of 80%. In summary, the available evidence is currently insufficient to determine the role of this variant in disease. Therefore, it has been classified as a Variant of Uncertain Significance.

Women's Health and Genetics/Laboratory Corporation of America, LabCorp
Classification: Uncertain significance. Last evaluated: 2022-02-18. Review status: criteria provided, single submitter. Criteria: LabCorp Variant Classification Summary - May 2015. Collection method: clinical testing. Allele origin: germline.

Ambry Genetics
Classification: Uncertain significance for Inborn genetic diseases. Last evaluated: 2021-06-18. Review status: criteria provided, single submitter. Criteria: Ambry Variant Classification Scheme 2023. Collection method: clinical testing. Allele origin: germline.

Natera, Inc.
Classification: Uncertain significance for Mucolipidosis type II. Last evaluated: 2020-04-17. Review status: no assertion criteria provided. Collection method: clinical testing. Allele origin: germline. Not counted in ClinVar's aggregate classification.

NM_024312.5(GNPTAB):c.1960A>G (p.Ser654Gly)

Gene: GNPTAB (N-acetylglucosamine-1-phosphate transferase subunits alpha and beta; minus strand). Cytogenetic location: 12q23.2.
Variant type: single nucleotide variant.
Coding change: c.1960A>G on transcript NM_024312.5 (MANE Select); coding-DNA position 1960, A replaced by G.
Protein change: p.Ser654Gly; replaces serine 654 with glycine.
Molecular consequence: missense variant.
Genome position (GRCh38, 1-based): chr12:101,764,957, T>C on the plus strand (A>G on the coding strand, the complement: GNPTAB is on the minus strand). VCF-style: chr12-101764957-T-C. GRCh37 (hg19) VCF-style: chr12-102158735-T-C.
Other names: short protein forms S654G.
Identifiers: ClinVar variation 965325 (VCV000965325.8), dbSNP rs151209875, ClinGen allele CA6746499.
Genomic context (GRCh38, chr12:101,764,957, plus strand): 5'-GTTTTTCTTTGGGAATATCCTCAAAAAGGATTTCCGCCTCTGGAAGAAGTGTTATGGGAC[T>C]AACTAAATTTTCGTAACCCTTCTGGGCTGTAGAATTCAGTTTTGGTCCCTCCCTTGTGTC-3'
Protein context (NP_077288.2, residues 644-664): TAQKGYENLV[Ser654Gly]PITLLPEAEI